The following is an entry in ClinVar:

NM_001378454.1(ALMS1):c.119T>A (p.Val40Glu)

Gene: ALMS1 (ALMS1 centrosome and basal body associated protein; plus strand). Cytogenetic location: 2p13.1.
Variant type: single nucleotide variant.
Coding change: c.119T>A on transcript NM_001378454.1 (MANE Select); coding-DNA position 119, T replaced by A.
Protein change: p.Val40Glu; replaces valine 40 with glutamic acid.
Molecular consequence: missense variant.
Genome position (GRCh38, 1-based): chr2:73,385,987, T>A. VCF-style: chr2-73385987-T-A. GRCh37 (hg19) VCF-style: chr2-73613115-T-A.
Other names: c.122T>A, p.Val41Glu (NM_015120.4); short protein forms V40E, V41E.
Identifiers: ClinVar variation 4720549 (VCV004720549.1).

ClinVar aggregate classification (germline): Uncertain significance (1 of 4 stars; one submission).

Conditions:
Alstrom syndrome (ALMS). Identifiers: Orphanet 64, MedGen C0268425, MONDO:0008763, OMIM 203800.

Submission:

Labcorp Genetics (formerly Invitae), Labcorp
Classification: Uncertain significance for Alstrom syndrome. Last evaluated: 2025-06-01. Review status: criteria provided, single submitter. Criteria: Invitae Variant Classification Sherloc (09022015). Collection method: clinical testing. Allele origin: germline.
Comment: This sequence change replaces valine, which is neutral and non-polar, with glutamic acid, which is acidic and polar, at codon 41 of the ALMS1 protein (p.Val41Glu). This variant is not present in population databases (gnomAD no frequency). This variant has not been reported in the literature in individuals affected with ALMS1-related conditions. Experimental studies and prediction algorithms are not available or were not evaluated, and the functional significance of this variant is currently unknown. In summary, the available evidence is currently insufficient to determine the role of this variant in disease. Therefore, it has been classified as a Variant of Uncertain Significance.